The following is an entry in ClinVar:

ClinVar aggregate classification (germline): Uncertain significance (1 of 4 stars; one submission).

gnomAD v4.1: 6 of 1,613,918 alleles (0.00037%); highest among the groups gnomAD compares: East Asian, 0.0022%; no homozygotes.

Submission:

Labcorp Genetics (formerly Invitae), Labcorp
Classification: Uncertain significance. Last evaluated: 2022-04-16. Review status: criteria provided, single submitter. Criteria: Invitae Variant Classification Sherloc (09022015). Collection method: clinical testing. Allele origin: germline.
Comment: Variants that disrupt the consensus splice site are a relatively common cause of aberrant splicing (PMID: 17576681, 9536098). Algorithms developed to predict the effect of sequence changes on RNA splicing suggest that this variant is not likely to affect RNA splicing. In summary, the available evidence is currently insufficient to determine the role of this variant in disease. Therefore, it has been classified as a Variant of Uncertain Significance. This variant has not been reported in the literature in individuals affected with WFS1-related conditions. This variant is not present in population databases (gnomAD no frequency). This sequence change falls in intron 7 of the WFS1 gene. It does not directly change the encoded amino acid sequence of the WFS1 protein. It affects a nucleotide within the consensus splice site.

Literature cited by the submitters: PubMed 17576681; PubMed 9536098.

NM_006005.3(WFS1):c.862-3C>T

Gene: WFS1 (wolframin ER transmembrane glycoprotein; plus strand). Cytogenetic location: 4p16.1.
Variant type: single nucleotide variant.
Coding change: c.862-3C>T on transcript NM_006005.3 (MANE Select); 3 bases into the intron before coding-DNA position 862, C replaced by T.
Molecular consequence: intron variant.
Genome position (GRCh38, 1-based): chr4:6,300,654, C>T. VCF-style: chr4-6300654-C-T. GRCh37 (hg19) VCF-style: chr4-6302381-C-T.
Other names: c.862-3C>T (NM_001145853.1).
Identifiers: ClinVar variation 1989816 (VCV001989816.4), dbSNP rs201889635, ClinGen allele CA1435771922.